The following is an entry in ClinVar:

ClinVar aggregate classification (germline): Uncertain significance (1 of 4 stars; one submission).

Conditions:
Leigh syndrome (NULS). Also called: Leigh's necrotizing encephalopathy; Leigh's disease; Leigh Syndrome (mtDNA deletion); Leigh Disease; Subacute necrotizing encephalopathy; Necrotizing encephalopathy infantile subacute of Leigh. Identifiers: Orphanet 506, MedGen C2931891, MONDO:0009723, OMIM 256000.

Submission:

Wong Mito Lab, Molecular and Human Genetics, Baylor College of Medicine
Classification: Uncertain significance for Leigh syndrome. Last evaluated: 2019-10-17. Review status: criteria provided, single submitter. Criteria: Modified ACMG Guidelines (Unpublished). Collection method: clinical testing. Allele origin: germline.
Comment: The NC_012920.1:m.4954T>C (YP_003024027.1:p.Ile162Thr) variant in MTND2 gene is interpretated to be a Uncertain Significance variant based on the modified ACMG guidelines (unpublished). This variant meets the following evidence codes: BP4

NC_012920.1(MT-ND2):m.4954T>C

Gene: MT-ND2 (mitochondrially encoded NADH dehydrogenase 2; plus strand).
Variant type: single nucleotide variant.
Genome position: chrM-4954-T-C.
Identifiers: ClinVar variation 692528 (VCV000692528.1), dbSNP rs1603219689, ClinGen allele CA414778233.